The following is an entry in ClinVar:

NM_001141.3(ALOX15B):c.1502C>T (p.Ser501Phe)

Gene: ALOX15B (arachidonate 15-lipoxygenase type B; plus strand). Cytogenetic location: 17p13.1.
Variant type: single nucleotide variant.
Coding change: c.1502C>T on transcript NM_001141.3 (MANE Select); coding-DNA position 1502, C replaced by T.
Protein change: p.Ser501Phe; replaces serine 501 with phenylalanine.
Molecular consequence: missense variant. On other transcripts: intron variant (1).
Genome position (GRCh38, 1-based): chr17:8,047,302, C>T. VCF-style: chr17-8047302-C-T. GRCh37 (hg19) VCF-style: chr17-7950620-C-T.
Other names: c.1415C>T, p.Ser472Phe (NM_001039130.2); c.1357+239C>T (NM_001039131.2); short protein forms S472F, S501F.
Identifiers: ClinVar variation 4640061 (VCV004640061.1).

ClinVar aggregate classification (germline): Uncertain significance (1 of 4 stars; one submission).

gnomAD v4.1: 9 of 1,614,140 alleles (0.00056%); highest among the groups gnomAD compares: African/African-American, 0.012%; no homozygotes.

Submission:

Ambry Genetics
Classification: Uncertain significance. Last evaluated: 2025-11-03. Review status: criteria provided, single submitter. Criteria: Ambry Variant Classification Scheme 2023. Collection method: clinical testing. Allele origin: germline.
Comment: The c.1502C>T (p.S501F) alteration is located in exon 11 (coding exon 11) of the ALOX15B gene. This alteration results from a C to T substitution at nucleotide position 1502, causing the serine (S) at amino acid position 501 to be replaced by a phenylalanine (F). Based on data from gnomAD, the T allele has an overall frequency of 0.001% (3/251462) total alleles studied. The highest observed frequency was 0.019% (3/16256) of African alleles. Based on insufficient or conflicting evidence, the clinical significance of this alteration remains unclear.